The following is an entry in ClinVar:

ClinVar aggregate classification (germline): Uncertain significance (1 of 4 stars; one submission).

Conditions:
Familial thoracic aortic aneurysm and aortic dissection (TAAD). Also called: Thoracic aortic aneurysms and dissections. Identifiers: Orphanet 91387, MedGen C4707243, MONDO:0019625.

Submission:

Labcorp Genetics (formerly Invitae), Labcorp
Classification: Uncertain significance for Familial thoracic aortic aneurysm and aortic dissection. Last evaluated: 2025-08-06. Review status: criteria provided, single submitter. Criteria: Invitae Variant Classification Sherloc (09022015). Collection method: clinical testing. Allele origin: germline.
Comment: This sequence change replaces arginine, which is basic and polar, with asparagine, which is neutral and polar, at codon 442 of the TGFBR1 protein (p.Arg442Asn). Information on the frequency of this variant in the gnomAD database is not available, as this variant may be reported differently in the database. This variant has not been reported in the literature in individuals affected with TGFBR1-related conditions. An algorithm developed to predict the effect of missense changes on protein structure and function (PolyPhen-2) suggests that this variant is likely to be tolerated. In summary, the available evidence is currently insufficient to determine the role of this variant in disease. Therefore, it has been classified as a Variant of Uncertain Significance.

NM_004612.4(TGFBR1):c.1325_1326delinsAT (p.Arg442Asn)

Gene: TGFBR1 (transforming growth factor beta receptor 1; plus strand). Cytogenetic location: 9q22.33.
Variant type: Indel.
Coding change: c.1325_1326delinsAT on transcript NM_004612.4 (MANE Select); coding-DNA positions 1325 to 1326, GA replaced by AT.
Protein change: p.Arg442Asn; replaces arginine 442 with asparagine.
Molecular consequence: missense variant. On other transcripts: non-coding transcript variant (4).
Genome position (GRCh38, 1-based): chr9:99,147,723-99,147,724, GA replaced by AT. VCF-style: chr9-99147723-GA-AT. GRCh37 (hg19) VCF-style: chr9-101910005-GA-AT.
Other names: c.1118_1119delinsAT, p.Arg373Asn (NM_001407425.1, NM_001407426.1, NM_001407427.1 and 8 more transcripts); c.1094_1095delinsAT, p.Arg365Asn (NM_001407435.1, NM_001130916.3); c.1079_1080delinsAT, p.Arg360Asn (NM_001407436.1); c.617_618delinsAT, p.Arg206Asn (NM_001407437.1); c.848_849delinsAT, p.Arg283Asn (NM_001407438.1); c.1337_1338delinsAT, p.Arg446Asn (NM_001306210.2); c.1169_1170delinsAT, p.Arg390Asn (NM_001407416.1); c.1157_1158delinsAT, p.Arg386Asn (NM_001407417.1); and 1 more; short protein forms R206N, R365N, R377N, R446N, R360N, R386N, R283N, R373N.
Identifiers: ClinVar variation 4711521 (VCV004711521.1).